The following is an entry in ClinVar:

ClinVar aggregate classification (germline): Uncertain significance (1 of 4 stars; one submission).

gnomAD v4.1: 1 of 1,613,868 alleles (0.000062%); highest among the groups gnomAD compares: Non-Finnish European, 0.000085%; no homozygotes.

Submission:

Labcorp Genetics (formerly Invitae), Labcorp
Classification: Uncertain significance. Last evaluated: 2025-08-18. Review status: criteria provided, single submitter. Criteria: Invitae Variant Classification Sherloc (09022015). Collection method: clinical testing. Allele origin: germline.
Comment: This sequence change creates a premature translational stop signal (p.Leu2078*) in the NIN gene. While this is not anticipated to result in nonsense mediated decay, it is expected to disrupt the last 56 amino acid(s) of the NIN protein. This variant is not present in population databases (gnomAD no frequency). This variant has not been reported in the literature in individuals affected with NIN-related conditions. ClinVar contains an entry for this variant (Variation ID: 3640726). Experimental studies and prediction algorithms are not available or were not evaluated, and the functional significance of this variant is currently unknown. In summary, the available evidence is currently insufficient to determine the role of this variant in disease. Therefore, it has been classified as a Variant of Uncertain Significance.

NM_020921.4(NIN):c.6233T>A (p.Leu2078Ter)

Gene: NIN (ninein; minus strand). Cytogenetic location: 14q22.1.
Variant type: single nucleotide variant.
Coding change: c.6233T>A on transcript NM_020921.4 (MANE Select); coding-DNA position 6233, T replaced by A.
Protein change: p.Leu2078Ter; replaces leucine 2078 with a stop codon.
Molecular consequence: nonsense.
Genome position (GRCh38, 1-based): chr14:50,723,632, A>T on the plus strand (T>A on the coding strand, the complement: NIN is on the minus strand). VCF-style: chr14-50723632-A-T. GRCh37 (hg19) VCF-style: chr14-51190350-A-T.
Other names: short protein forms L2078*.
Identifiers: ClinVar variation 3640726 (VCV003640726.2).